The following is an entry in ClinVar:

NM_001127644.2(GABRA1):c.-16+5G>A

Gene: GABRA1 (gamma-aminobutyric acid type A receptor subunit alpha1; plus strand). Cytogenetic location: 5q34.
Variant type: single nucleotide variant.
Coding change: c.-16+5G>A on transcript NM_001127644.2 (MANE Select); 5 bases into the intron after 16 bases upstream of the start codon, G replaced by A.
Molecular consequence: intron variant.
Genome position (GRCh38, 1-based): chr5:161,848,427, G>A. VCF-style: chr5-161848427-G-A. GRCh37 (hg19) VCF-style: chr5-161275433-G-A.
Other names: c.-16+5G>A (NM_000806.5, NM_001127643.2).
Identifiers: ClinVar variation 3372401 (VCV003372401.1).

ClinVar aggregate classification (germline): Uncertain significance (1 of 4 stars; one submission).

Submission:

GeneDx
Classification: Uncertain significance. Last evaluated: 2024-04-21. Review status: criteria provided, single submitter. Criteria: GeneDx Variant Classification Process June 2021. Collection method: clinical testing. Allele origin: germline. Affected: yes.
Comment: Has not been previously published as pathogenic or benign to our knowledge; No data available from control populations to assess the frequency of this variant; In silico analysis is inconclusive as to whether the variant alters gene splicing. In the absence of RNA/functional studies, the actual effect of this sequence change is unknown..